The following is an entry in ClinVar:

NM_000352.6(ABCC8):c.2498A>G (p.Gln833Arg)

Gene: ABCC8 (ATP binding cassette subfamily C member 8; minus strand). Cytogenetic location: 11p15.1.
Variant type: single nucleotide variant.
Coding change: c.2498A>G on transcript NM_000352.6 (MANE Select); coding-DNA position 2498, A replaced by G.
Protein change: p.Gln833Arg; replaces glutamine 833 with arginine.
Molecular consequence: missense variant. On other transcripts: non-coding transcript variant (1).
Genome position (GRCh38, 1-based): chr11:17,412,724, T>C on the plus strand (A>G on the coding strand, the complement: ABCC8 is on the minus strand). VCF-style: chr11-17412724-T-C. GRCh37 (hg19) VCF-style: chr11-17434271-T-C.
Other names: c.2501A>G, p.Gln834Arg (NM_001287174.3); c.2564A>G, p.Gln855Arg (NM_001351295.2); c.2498A>G, p.Gln833Arg (NM_001351296.2); c.2495A>G, p.Gln832Arg (NM_001351297.2); short protein forms Q832R, Q833R, Q834R, Q855R.
Identifiers: ClinVar variation 4796765 (VCV004796765.1).

ClinVar aggregate classification (germline): Likely pathogenic (1 of 4 stars; one submission).

Conditions:
Diabetes mellitus, transient neonatal, 2 (TNDM2). Identifiers: Orphanet 99886, MedGen C1835887, MONDO:0012480, OMIM 610374. Disease mechanism: loss of function.

Submission:

MVZ Medizinische Genetik Mainz
Classification: Likely pathogenic for Diabetes mellitus, transient neonatal, 2. Last evaluated: 2026-01-27. Review status: criteria provided, single submitter. Criteria: UK Practice Guidelines For Variant Classification V4 01 2020. Collection method: clinical testing. Allele origin: germline. Inheritance: Autosomal dominant inheritance. Affected: yes. Observed: 1 variant allele.
Comment: ACMG Criteria: PP3_STR,PM2_SUP,PM5_SUP